The following is an entry in ClinVar:

ClinVar aggregate classification (germline): Uncertain significance (1 of 4 stars; one submission).

gnomAD v4.1: 1 of 1,613,022 alleles (0.000062%); highest among the groups gnomAD compares: Non-Finnish European, 0.000085%; no homozygotes.

Submission:

Labcorp Genetics (formerly Invitae), Labcorp
Classification: Uncertain significance. Last evaluated: 2025-09-19. Review status: criteria provided, single submitter. Criteria: Invitae Variant Classification Sherloc (09022015). Collection method: clinical testing. Allele origin: germline.
Comment: This sequence change replaces lysine, which is basic and polar, with threonine, which is neutral and polar, at codon 1169 of the RERE protein (p.Lys1169Thr). This variant is not present in population databases (gnomAD no frequency). This variant has not been reported in the literature in individuals affected with RERE-related conditions. Invitae Evidence Modeling of protein sequence and biophysical properties (such as structural, functional, and spatial information, amino acid conservation, physicochemical variation, residue mobility, and thermodynamic stability) has been performed for this missense variant. However, the output from this modeling did not meet the statistical confidence thresholds required to predict the impact of this variant on RERE protein function. In summary, the available evidence is currently insufficient to determine the role of this variant in disease. Therefore, it has been classified as a Variant of Uncertain Significance.

NM_001042681.2(RERE):c.3506A>C (p.Lys1169Thr)

Gene: RERE (arginine-glutamic acid dipeptide repeats; minus strand). Cytogenetic location: 1p36.23.
Variant type: single nucleotide variant.
Coding change: c.3506A>C on transcript NM_001042681.2 (MANE Select); coding-DNA position 3506, A replaced by C.
Protein change: p.Lys1169Thr; replaces lysine 1169 with threonine.
Molecular consequence: missense variant.
Genome position (GRCh38, 1-based): chr1:8,359,876, T>G on the plus strand (A>C on the coding strand, the complement: RERE is on the minus strand). VCF-style: chr1-8359876-T-G. GRCh37 (hg19) VCF-style: chr1-8419936-T-G.
Other names: c.1844A>C, p.Lys615Thr (NM_001042682.2); c.3506A>C, p.Lys1169Thr (NM_012102.4); short protein forms K1169T, K615T.
Identifiers: ClinVar variation 4799807 (VCV004799807.1).